The following is an entry in ClinVar:

ClinVar aggregate classification (germline): Uncertain significance (1 of 4 stars; one submission).

Allele frequency attached by ClinVar (database versions not stated): TOPMed 0.00001; gnomAD 0.00001.

Submission:

Labcorp Genetics (formerly Invitae), Labcorp
Classification: Uncertain significance. Last evaluated: 2025-08-03. Review status: criteria provided, single submitter. Criteria: Invitae Variant Classification Sherloc (09022015). Collection method: clinical testing. Allele origin: germline.
Comment: This sequence change replaces leucine, which is neutral and non-polar, with valine, which is neutral and non-polar, at codon 39 of the FOXI3 protein (p.Leu39Val). The frequency data for this variant in the population databases is considered unreliable, as metrics indicate insufficient coverage at this position in the gnomAD database. This variant has not been reported in the literature in individuals affected with FOXI3-related conditions. ClinVar contains an entry for this variant (Variation ID: 2007630). Experimental studies and prediction algorithms are not available or were not evaluated, and the functional significance of this variant is currently unknown. In summary, the available evidence is currently insufficient to determine the role of this variant in disease. Therefore, it has been classified as a Variant of Uncertain Significance.

NM_001135649.3(FOXI3):c.115C>G (p.Leu39Val)

Gene: FOXI3 (forkhead box I3; minus strand). Cytogenetic location: 2p11.2.
Variant type: single nucleotide variant.
Coding change: c.115C>G on transcript NM_001135649.3 (MANE Select); coding-DNA position 115, C replaced by G.
Protein change: p.Leu39Val; replaces leucine 39 with valine.
Molecular consequence: missense variant.
Genome position (GRCh38, 1-based): chr2:88,452,421, G>C on the plus strand (C>G on the coding strand, the complement: FOXI3 is on the minus strand). VCF-style: chr2-88452421-G-C. GRCh37 (hg19) VCF-style: chr2-88751939-G-C.
Other names: short protein forms L39V.
Identifiers: ClinVar variation 2007630 (VCV002007630.4), dbSNP rs1408854005, ClinGen allele CA347767027.
Genomic context (GRCh38, chr2:88,452,421, plus strand): 5'-GCCCGTTGAGCCACAGGTAGGGGTTGGCGGCGGCGGCCGGCGGCGCGGCGTAGTCGGCCA[G>C]CCCGTAAGGCGCCCTGGCTGCCGGGGGGGCGCCCGGGGCGGCGGCGGTGGCGGCGGGCGG-3'
Protein context (NP_001129121.1, residues 29-49): APPAARAPYG[Leu39Val]ADYAAPPAAA